The following is an entry in ClinVar:

NM_001282225.2(ADA2):c.689G>A (p.Arg230Gln)

Gene: ADA2 (adenosine deaminase 2; minus strand). Cytogenetic location: 22q11.1.
Variant type: single nucleotide variant.
Coding change: c.689G>A on transcript NM_001282225.2 (MANE Select); coding-DNA position 689, G replaced by A.
Protein change: p.Arg230Gln; replaces arginine 230 with glutamine.
Molecular consequence: missense variant.
Genome position (GRCh38, 1-based): chr22:17,203,627, C>T on the plus strand (G>A on the coding strand, the complement: ADA2 is on the minus strand). VCF-style: chr22-17203627-C-T. GRCh37 (hg19) VCF-style: chr22-17684517-C-T.
Other names: c.689G>A, p.Arg230Gln (NM_001282226.2); c.563G>A, p.Arg188Gln (NM_001282227.2, NM_001282228.2); c.329G>A, p.Arg110Gln (NM_001282229.2); short protein forms R110Q, R188Q, R230Q.
Identifiers: ClinVar variation 707866 (VCV000707866.17), dbSNP rs186116639, ClinGen allele CA10088158.

ClinVar aggregate classification (germline): Likely benign. Review status: criteria provided, multiple submitters, no conflicts (2 of 4 stars). 5 submissions from 5 submitters: Likely benign (4). 1 of the submissions does not count toward it. Last evaluated 2026-02-04.

Conditions:
ADA2-related disorder. Also called: ADA2-related condition.
Autoinflammatory syndrome. Identifiers: Orphanet 93665, MedGen C3890737, MONDO:0019751.
Deficiency of adenosine deaminase 2. Also called: Polyarteritis nodosa, childhoood-onset; Adenosine Deaminase 2 Deficiency; VASCULITIS, AUTOINFLAMMATION, IMMUNODEFICIENCY, AND HEMATOLOGIC DEFECTS SYNDROME. Identifiers: Orphanet 404553, MedGen C3887654, MONDO:0014306, OMIM 615688, MONDO:0100317.

Allele frequency attached by ClinVar (database versions not stated): ESP Exome Variant Server 0.00008; gnomAD exomes 0.00014 and 0.00052; gnomAD 0.00026 and 0.00029; TOPMed 0.00030; ExAC 0.00045; 1000 Genomes Project 0.00100; 1000 Genomes Project 30x 0.00125.
gnomAD v4.1: 258 of 1,613,930 alleles (0.016%); highest among the groups gnomAD compares: East Asian, 0.33%; 2 homozygotes.

Submissions (5):

Labcorp Genetics (formerly Invitae), Labcorp
Classification: Likely benign for Deficiency of adenosine deaminase 2. Last evaluated: 2026-02-04. Review status: criteria provided, single submitter. Criteria: Invitae Variant Classification Sherloc (09022015). Collection method: clinical testing. Allele origin: germline.

Women's Health and Genetics/Laboratory Corporation of America, LabCorp
Classification: Likely benign. Last evaluated: 2026-01-30. Review status: criteria provided, single submitter. Criteria: LabCorp Variant Classification Summary - May 2015. Collection method: clinical testing. Allele origin: germline.
Comment: Variant summary: ADA2 c.689G>A (p.Arg230Gln) results in a conservative amino acid change in the encoded protein sequence. Algorithms developed to predict the effect of missense changes on protein structure and function all suggest that this variant is likely to be tolerated. The variant allele was found at a frequency of 0.00052 in 251444 control chromosomes, predominantly at a frequency of 0.0056 within the East Asian subpopulation in the gnomAD database, including 1 homozygotes. The observed variant frequency within East Asian control individuals in the gnomAD database exceeds the estimated maximal expected allele frequency for disease-causing variants in ADA2. To our knowledge, no occurrence of c.689G>A in individuals affected with ADA2-related conditions and no experimental evidence demonstrating its impact on protein function have been reported. ClinVar contains an entry for this variant (Variation ID: 707866). Based on the evidence outlined above, the variant was classified as likely benign.

Blueprint Genetics
Classification: Likely benign. Last evaluated: 2024-10-22. Review status: criteria provided, single submitter. Criteria: ACMG Guidelines, 2015. Collection method: clinical testing. Allele origin: germline.

Genome Diagnostics Laboratory, The Hospital for Sick Children
Classification: Likely benign for Autoinflammatory syndrome. Last evaluated: 2021-01-25. Review status: criteria provided, single submitter. Criteria: ACMG Guidelines, 2015. Collection method: clinical testing. Allele origin: germline. Affected: yes.

PreventionGenetics, part of Exact Sciences
Classification: Likely benign for ADA2-related condition. Last evaluated: 2024-04-16. Review status: no assertion criteria provided. Collection method: clinical testing. Allele origin: germline. Not counted in ClinVar's aggregate classification.
Comment: This variant is classified as likely benign based on ACMG/AMP sequence variant interpretation guidelines (Richards et al. 2015 PMID: 25741868, with internal and published modifications).